The following is an entry in ClinVar:

NM_014314.4(RIGI):c.56C>T (p.Thr19Ile)

Genes: RIGI (RNA sensor RIG-I; minus strand), LOC130001628 (ATAC-STARR-seq lymphoblastoid active region 28262; plus strand). Cytogenetic location: 9p21.1.
Variant type: single nucleotide variant.
Coding change: c.56C>T on transcript NM_014314.4 (MANE Select); coding-DNA position 56, C replaced by T.
Protein change: p.Thr19Ile; replaces threonine 19 with isoleucine.
Molecular consequence: missense variant. On other transcripts: 5 prime UTR variant (3).
Genome position (GRCh38, 1-based): chr9:32,526,111, G>A on the plus strand (C>T on the coding strand, the complement: RIGI is on the minus strand). VCF-style: chr9-32526111-G-A. GRCh37 (hg19) VCF-style: chr9-32526109-G-A.
Other names: c.56C>T, p.Thr19Ile (NM_001385907.1, NM_001385909.1, NM_001385913.1); c.-399C>T (NM_001385910.1, NM_001385914.1); c.-406C>T (NM_001385912.1); short protein forms T19I.
Identifiers: ClinVar variation 2125558 (VCV002125558.4), dbSNP rs2489411474, ClinGen allele CA373150986.

ClinVar aggregate classification (germline): Uncertain significance (1 of 4 stars; one submission).

Submission:

Labcorp Genetics (formerly Invitae), Labcorp
Classification: Uncertain significance. Last evaluated: 2022-04-12. Review status: criteria provided, single submitter. Criteria: Invitae Variant Classification Sherloc (09022015). Collection method: clinical testing. Allele origin: germline.
Comment: This variant is not present in population databases (gnomAD no frequency). In summary, the available evidence is currently insufficient to determine the role of this variant in disease. Therefore, it has been classified as a Variant of Uncertain Significance. Algorithms developed to predict the effect of missense changes on protein structure and function output the following: SIFT: "Tolerated"; PolyPhen-2: "Benign"; Align-GVGD: "Class C0". The isoleucine amino acid residue is found in multiple mammalian species, which suggests that this missense change does not adversely affect protein function. This variant has not been reported in the literature in individuals affected with DDX58-related conditions. This sequence change replaces threonine, which is neutral and polar, with isoleucine, which is neutral and non-polar, at codon 19 of the DDX58 protein (p.Thr19Ile).